The following is an entry in ClinVar:

GRCh38/hg38 14q22.2-22.3(chr14:53949639-56297420)x1

Genes: ATG14 (autophagy related 14; minus strand), BMP4 (bone morphogenetic protein 4; minus strand), CDKN3 (cyclin dependent kinase inhibitor 3; plus strand), CGRRF1 (cell growth regulator with ring finger domain 1; plus strand), CNIH1 (cornichon family member 1; minus strand) and 86 more. Cytogenetic location: 14q22.2-22.3.
Variant type: copy number loss.
Change: copy number 1 (one copy instead of two) of chr14:53,949,639-56,297,420 (2.35 Mb, GRCh38 coordinates, 1-based), cytogenetic band 14q22.2-22.3.
Identifiers: ClinVar variation 3061843 (VCV003061843.1).

ClinVar aggregate classification (germline): Pathogenic (1 of 4 stars; one submission).

Conditions:
Dystonia 5 (DRD). Also called: Dystonia, DOPA-responsive, with or without hyperphenylalaninemia; DYSTONIA, PROGRESSIVE, WITH DIURNAL VARIATION; DYSTONIA-PARKINSONISM WITH DIURNAL FLUCTUATION; GTP Cyclohydrolase 1-Deficient Dopa-Responsive Dystonia; DYT-GCH1. Identifiers: Orphanet 98808, MedGen C1851920, MONDO:0007495, OMIM 128230.

Submission:

Broad Center for Mendelian Genomics, Broad Institute of MIT and Harvard
Classification: Pathogenic for Dystonia 5. Last evaluated: 2024-03-12. Review status: criteria provided, single submitter. Criteria: ACMG/ClinGen CNV Guidelines, 2019. Collection method: research. Allele origin: unknown. Inheritance: Autosomal dominant inheritance. Affected: yes.
Comment: The phenotype of the individual heterozygous for this variant is highly specific and consistent with what has been described in similar cases. Inheritance information is unavailable. There is complete overlap with the GCH1 gene, which is known to be haploinsufficient, and has been assessed by the ClinGen Dosage Sensitivity Working Group. This deletion has also been reported in the literature, in the heterozygous state, in three related individuals with dystonia (PMID: 28558098). It is possible that one of these individuals is the same proband identified by our lab, however we were unable to confirm this suspicion. In summary, this variant meets criteria to be classified as pathogenic for dystonia. The ACMG/ClinGen evidence codes and points used in this curation are as follows: 1: 0 points, 2: 1.0 points, 3: 0 points, 4-5: 0.30 points Total: 1.30 points; Riggs 2020 (PMID: 31690835).

Literature cited by the submitters: PubMed 28558098; PubMed 39033378.